The following is an entry in ClinVar:

ClinVar aggregate classification (germline): Conflicting classifications of pathogenicity. Review status: criteria provided, conflicting classifications (1 of 4 stars). 3 submissions from 3 submitters: Uncertain significance (1); Likely benign (1). 1 of the submissions does not count toward it. Last evaluated 2023-06-28.

Conditions:
Hereditary cancer-predisposing syndrome. Also called: Tumor predisposition; Neoplastic Syndromes, Hereditary; Hereditary Cancer Syndrome; Hereditary neoplastic syndrome. Identifiers: Orphanet 140162, MedGen C0027672, MeSH D009386, MONDO:0015356.
Breast-ovarian cancer, familial, susceptibility to, 1 (BROVCA1). Also called: OVARIAN CANCER, SUSCEPTIBILITY TO; BRCA1 Hereditary Breast and Ovarian Cancer. Identifiers: Orphanet 145, MedGen C2676676, MONDO:0011450, OMIM 604370. Disease mechanism: loss of function.

Submissions (3):

All of Us Research Program, National Institutes of Health
Classification: Uncertain significance for Breast-ovarian cancer, familial, susceptibility to, 1. Last evaluated: 2023-06-28. Review status: criteria provided, single submitter. Criteria: ACMG Guidelines, 2015. Collection method: clinical testing. Allele origin: germline. Inheritance: Autosomal dominant inheritance. Observed: 1 variant allele, 1 heterozygote.
Comment: This study involves interpretation of variants in research participants for the purpose of population health screening. Participant phenotype was not available at the time of variant classification. Additional details can be found in publication PMID: 35346344, PMCID: PMC8962531

University of Washington Department of Laboratory Medicine, University of Washington
Classification: Likely benign for Hereditary cancer-predisposing syndrome. Last evaluated: 2023-03-23. Review status: criteria provided, single submitter. Criteria: Dines et al. (Genet Med. 2020). Collection method: curation. Allele origin: germline.
Comment: Missense variant in a coldspot region where missense variants are very unlikely to be pathogenic (PMID:31911673).

BRCA1 coldspot (exon 11 using historical exon numbering). Reclassification based on statistical prior probability

Breast Cancer Information Core (BIC) (BRCA1)
Classification: Uncertain significance for Breast-ovarian cancer, familial 1. Last evaluated: 2003-12-23. Review status: no assertion criteria provided. Collection method: clinical testing. Allele origin: germline. Affected: yes. Observed: 1 variant allele. Not counted in ClinVar's aggregate classification.

NM_007294.4(BRCA1):c.2338C>A (p.Gln780Lys)

Gene: BRCA1 (BRCA1 DNA repair associated; minus strand). Cytogenetic location: 17q21.31.
Variant type: single nucleotide variant.
Coding change: c.2338C>A on transcript NM_007294.4 (MANE Select); coding-DNA position 2338, C replaced by A.
Protein change: p.Gln780Lys; replaces glutamine 780 with lysine.
Molecular consequence: missense variant. On other transcripts: intron variant (137).
Genome position (GRCh38, 1-based): chr17:43,093,193, G>T on the plus strand (C>A on the coding strand, the complement: BRCA1 is on the minus strand). VCF-style: chr17-43093193-G-T. GRCh37 (hg19) VCF-style: chr17-41245210-G-T.
Other names: c.2125C>A, p.Gln709Lys (NM_001407571.1, NM_001407853.1, NM_001407894.1 and 9 more transcripts); c.2338C>A, p.Gln780Lys (NM_001407581.1, NM_001407582.1, NM_001407583.1 and 30 more transcripts); c.2335C>A, p.Gln779Lys (NM_001407587.1, NM_001407590.1, NM_001407591.1 and 22 more transcripts); c.2329C>A, p.Gln777Lys (NM_001407646.1, NM_001407647.1); c.2215C>A, p.Gln739Lys (NM_001407648.1, NM_001407664.1, NM_001407665.1 and 19 more transcripts); c.2212C>A, p.Gln738Lys (NM_001407649.1, NM_001407670.1, NM_001407671.1 and 11 more transcripts); c.2260C>A, p.Gln754Lys (NM_001407653.1, NM_001407654.1, NM_001407655.1 and 4 more transcripts); c.2257C>A, p.Gln753Lys (NM_001407659.1, NM_001407660.1, NM_001407661.1 and 1 more transcripts); and 41 more; short protein forms Q780K, Q733K, Q668K, Q709K, Q713K, Q779K, Q652K, Q669K.
Identifiers: ClinVar variation 54539 (VCV000054539.6), dbSNP rs80356945, ClinGen allele CA001561.